The following is an entry in ClinVar:

NM_000535.7(PMS2):c.763T>A (p.Tyr255Asn)

Gene: PMS2 (PMS1 homolog 2, mismatch repair system component; minus strand). Cytogenetic location: 7p22.1.
Variant type: single nucleotide variant.
Coding change: c.763T>A on transcript NM_000535.7 (MANE Select); coding-DNA position 763, T replaced by A.
Protein change: p.Tyr255Asn; replaces tyrosine 255 with asparagine.
Molecular consequence: missense variant. On other transcripts: 5 prime UTR variant (2), non-coding transcript variant (1).
Genome position (GRCh38, 1-based): chr7:5,997,366, A>T on the plus strand (T>A on the coding strand, the complement: PMS2 is on the minus strand). VCF-style: chr7-5997366-A-T. GRCh37 (hg19) VCF-style: chr7-6036997-A-T.
Other names: c.358T>A, p.Tyr120Asn (NM_001322003.2, NM_001322004.2, NM_001322005.2 and 2 more transcripts); c.763T>A, p.Tyr255Asn (NM_001322006.2, NM_001322014.2); c.445T>A, p.Tyr149Asn (NM_001322007.2, NM_001322008.2); c.-171T>A (NM_001322011.2, NM_001322012.2); c.190T>A, p.Tyr64Asn (NM_001322013.2); c.454T>A, p.Tyr152Asn (NM_001322015.2); short protein forms Y255N, Y152N, Y120N, Y149N, Y64N.
Identifiers: ClinVar variation 525665 (VCV000525665.11), dbSNP rs1554301471, ClinGen allele CA366743684.

ClinVar aggregate classification (germline): Uncertain significance. Review status: criteria provided, multiple submitters, no conflicts (2 of 4 stars). 2 submissions from 2 submitters: Uncertain significance (2). Last evaluated 2025-06-02.

Conditions:
Hereditary nonpolyposis colorectal neoplasms. Identifiers: MedGen C0009405, MeSH D003123.
Hereditary cancer-predisposing syndrome. Also called: Neoplastic Syndromes, Hereditary; Tumor predisposition; Hereditary Cancer Syndrome; Hereditary neoplastic syndrome. Identifiers: Orphanet 140162, MedGen C0027672, MeSH D009386, MONDO:0015356.

Submissions (2):

Labcorp Genetics (formerly Invitae), Labcorp
Classification: Uncertain significance for Hereditary nonpolyposis colorectal neoplasms. Last evaluated: 2025-06-02. Review status: criteria provided, single submitter. Criteria: Invitae Variant Classification Sherloc (09022015). Collection method: clinical testing. Allele origin: germline.
Comment: This sequence change replaces tyrosine, which is neutral and polar, with asparagine, which is neutral and polar, at codon 255 of the PMS2 protein (p.Tyr255Asn). This variant is not present in population databases (gnomAD no frequency). This variant has not been reported in the literature in individuals affected with PMS2-related conditions. ClinVar contains an entry for this variant (Variation ID: 525665). Invitae Evidence Modeling incorporating data from in vitro experimental studies (internal data) indicates that this missense variant is not expected to disrupt PMS2 function with a negative predictive value of 95%. In summary, the available evidence is currently insufficient to determine the role of this variant in disease. Therefore, it has been classified as a Variant of Uncertain Significance.

Ambry Genetics
Classification: Uncertain significance for Hereditary cancer-predisposing syndrome. Last evaluated: 2018-06-25. Review status: criteria provided, single submitter. Criteria: Ambry Variant Classification Scheme 2023. Collection method: clinical testing. Allele origin: germline.
Comment: The p.Y255N variant (also known as c.763T>A), located in coding exon 7 of the PMS2 gene, results from a T to A substitution at nucleotide position 763. The tyrosine at codon 255 is replaced by asparagine, an amino acid with dissimilar properties. This amino acid position is well conserved in available vertebrate species. In addition, the in silico prediction for this alteration is inconclusive. Since supporting evidence is limited at this time, the clinical significance of this alteration remains unclear.